The following is an entry in ClinVar:

NM_003079.5(SMARCE1):c.17C>G (p.Ser6Cys)

Gene: SMARCE1 (SWI/SNF related BAF chromatin remodeling complex subunit E1; minus strand). Cytogenetic location: 17q21.2.
Variant type: single nucleotide variant.
Coding change: c.17C>G on transcript NM_003079.5 (MANE Select); coding-DNA position 17, C replaced by G.
Protein change: p.Ser6Cys; replaces serine 6 with cysteine.
Molecular consequence: missense variant.
Genome position (GRCh38, 1-based): chr17:40,645,610, G>C on the plus strand (C>G on the coding strand, the complement: SMARCE1 is on the minus strand). VCF-style: chr17-40645610-G-C. GRCh37 (hg19) VCF-style: chr17-38801862-G-C.
Other names: short protein forms S6C.
Identifiers: ClinVar variation 4976666 (VCV004976666.1).

ClinVar aggregate classification (germline): Uncertain significance (1 of 4 stars; one submission).

Submission:

GeneDx
Classification: Uncertain significance. Last evaluated: 2026-03-16. Review status: criteria provided, single submitter. Criteria: GeneDx Variant Classification Process June 2021. Collection method: clinical testing. Allele origin: germline.
Comment: Not observed at significant frequency in large population cohorts (gnomAD); In silico analysis suggests that this missense variant does not alter protein structure/function; Has not been previously published as pathogenic or benign to our knowledge; This variant is associated with the following publications: (PMID: 19245665)